The following is an entry in ClinVar:

NM_014639.4(SKIC3):c.1027G>A (p.Gly343Ser)

Gene: SKIC3 (SKI3 subunit of superkiller complex; minus strand). Cytogenetic location: 5q15.
Variant type: single nucleotide variant.
Coding change: c.1027G>A on transcript NM_014639.4 (MANE Select); coding-DNA position 1027, G replaced by A.
Protein change: p.Gly343Ser; replaces glycine 343 with serine.
Molecular consequence: missense variant.
Genome position (GRCh38, 1-based): chr5:95,528,120, C>T on the plus strand (G>A on the coding strand, the complement: SKIC3 is on the minus strand). VCF-style: chr5-95528120-C-T. GRCh37 (hg19) VCF-style: chr5-94863824-C-T.
Other names: c.1027G>A (NM_014639.3); short protein forms G343S.
Identifiers: ClinVar variation 1060068 (VCV001060068.9), dbSNP rs200909544, ClinGen allele CA3347443.

ClinVar aggregate classification (germline): Uncertain significance. Review status: criteria provided, multiple submitters, no conflicts (2 of 4 stars). 2 submissions from 2 submitters: Uncertain significance (2). Last evaluated 2025-10-02.

Conditions:
Inborn genetic diseases. Identifiers: MedGen C0950123, MeSH D030342.

Allele frequency attached by ClinVar (database versions not stated): gnomAD 0.00003 and 0.00004; gnomAD exomes 0.00004; TOPMed 0.00002.
gnomAD v4.1: 72 of 1,613,664 alleles (0.0045%); highest among the groups gnomAD compares: Non-Finnish European, 0.0056%; no homozygotes.

Submissions (2):

Ambry Genetics
Classification: Uncertain significance for Inborn genetic diseases. Last evaluated: 2025-10-02. Review status: criteria provided, single submitter. Criteria: Ambry Variant Classification Scheme 2023. Collection method: clinical testing. Allele origin: germline.

Labcorp Genetics (formerly Invitae), Labcorp
Classification: Uncertain significance. Last evaluated: 2024-12-25. Review status: criteria provided, single submitter. Criteria: Invitae Variant Classification Sherloc (09022015). Collection method: clinical testing. Allele origin: germline.
Comment: This sequence change replaces glycine, which is neutral and non-polar, with serine, which is neutral and polar, at codon 343 of the TTC37 protein (p.Gly343Ser). This variant is present in population databases (rs200909544, gnomAD 0.006%). This variant has not been reported in the literature in individuals affected with TTC37-related conditions. ClinVar contains an entry for this variant (Variation ID: 1060068). An algorithm developed to predict the effect of missense changes on protein structure and function (PolyPhen-2) suggests that this variant¬†is likely to be tolerated. In summary, the available evidence is currently insufficient to determine the role of this variant in disease. Therefore, it has been classified as a Variant of Uncertain Significance.